The following is an entry in ClinVar:

ClinVar aggregate classification (germline): Uncertain significance. Review status: criteria provided, multiple submitters, no conflicts (2 of 4 stars). 3 submissions from 3 submitters: Uncertain significance (3). Last evaluated 2024-09-20.

Conditions:
Neurofibromatosis, type 1 (NF1). Also called: VON RECKLINGHAUSEN DISEASE; NEUROFIBROMATOSIS, TYPE I, SOMATIC; Peripheral type neurofibromatosis; Neurofibromatosis, type I. Identifiers: Orphanet 636, MedGen C0027831, MONDO:0018975, OMIM 162200. Disease mechanism: loss of function.
Juvenile myelomonocytic leukemia (JMML). Also called: LEUKEMIA, JUVENILE MYELOMONOCYTIC, SOMATIC. Identifiers: Orphanet 86834, MedGen C0349639, MONDO:0011908, OMIM 607785, HP:0012209.
Café-au-lait macules with pulmonary stenosis (WTSN). Also called: PULMONIC STENOSIS WITH CAFE-AU-LAIT SPOTS. Identifiers: MedGen C0553586, MONDO:0008672, OMIM 193520.
Neurofibromatosis-Noonan syndrome (NFNS). Also called: NEUROFIBROMATOSIS WITH NOONAN PHENOTYPE. Identifiers: Orphanet 638, MedGen C2931482, MONDO:0011035, OMIM 601321. Disease mechanism: loss of function.
Neurofibromatosis, familial spinal (FSNF). Identifiers: Orphanet 636, MedGen C1834235, MONDO:0008078, OMIM 162210. Disease mechanism: loss of function.
Cardiovascular phenotype. Identifiers: MedGen CN230736.
Hereditary cancer-predisposing syndrome. Also called: Neoplastic Syndromes, Hereditary; Tumor predisposition; Hereditary neoplastic syndrome; Hereditary Cancer Syndrome. Identifiers: Orphanet 140162, MedGen C0027672, MeSH D009386, MONDO:0015356.

Allele frequency attached by ClinVar (database versions not stated): TOPMed below 0.00001.

Submissions (3):

Ambry Genetics
Classification: Uncertain significance for Cardiovascular phenotype; Hereditary cancer-predisposing syndrome. Last evaluated: 2024-09-20. Review status: criteria provided, single submitter. Criteria: Ambry Variant Classification Scheme 2023. Collection method: clinical testing. Allele origin: germline.
Comment: The p.I2663L variant (also known as c.7987A>C), located in coding exon 54 of the NF1 gene, results from an A to C substitution at nucleotide position 7987. The isoleucine at codon 2663 is replaced by leucine, an amino acid with highly similar properties. This amino acid position is conserved. In addition, the in silico prediction for this alteration is inconclusive. Based on the available evidence, the clinical significance of this variant remains unclear.

Labcorp Genetics (formerly Invitae), Labcorp
Classification: Uncertain significance for Neurofibromatosis, type 1. Last evaluated: 2024-08-31. Review status: criteria provided, single submitter. Criteria: Invitae Variant Classification Sherloc (09022015). Collection method: clinical testing. Allele origin: germline.
Comment: This sequence change replaces isoleucine, which is neutral and non-polar, with leucine, which is neutral and non-polar, at codon 2663 of the NF1 protein (p.Ile2663Leu). This variant is not present in population databases (gnomAD no frequency). This variant has not been reported in the literature in individuals affected with NF1-related conditions. ClinVar contains an entry for this variant (Variation ID: 527601). Invitae Evidence Modeling of protein sequence and biophysical properties (such as structural, functional, and spatial information, amino acid conservation, physicochemical variation, residue mobility, and thermodynamic stability) indicates that this missense variant is expected to disrupt NF1 protein function with a positive predictive value of 95%. In summary, the available evidence is currently insufficient to determine the role of this variant in disease. Therefore, it has been classified as a Variant of Uncertain Significance.

Fulgent Genetics
Classification: Uncertain significance for Neurofibromatosis, type 1; Neurofibromatosis, familial spinal; Café-au-lait macules with pulmonary stenosis; Neurofibromatosis-Noonan syndrome; Juvenile myelomonocytic leukemia. Last evaluated: 2024-06-17. Review status: criteria provided, single submitter. Criteria: ACMG Guidelines, 2015. Collection method: clinical testing. Allele origin: germline.

NM_001042492.3(NF1):c.8050A>C (p.Ile2684Leu)

Gene: NF1 (neurofibromin 1; plus strand). Cytogenetic location: 17q11.2.
Variant type: single nucleotide variant.
Coding change: c.8050A>C on transcript NM_001042492.3 (MANE Select); coding-DNA position 8050, A replaced by C.
Protein change: p.Ile2684Leu; replaces isoleucine 2684 with leucine.
Molecular consequence: missense variant.
Genome position (GRCh38, 1-based): chr17:31,358,559, A>C. VCF-style: chr17-31358559-A-C. GRCh37 (hg19) VCF-style: chr17-29685577-A-C.
Other names: c.7987A>C, p.Ile2663Leu (NM_000267.4); short protein forms I2663L, I2684L.
Identifiers: ClinVar variation 527601 (VCV000527601.7), dbSNP rs1555536913, ClinGen allele CA399203771.